The following is an entry in ClinVar:

ClinVar aggregate classification (germline): Benign/Likely benign. Review status: criteria provided, multiple submitters, no conflicts (2 of 4 stars). 4 submissions from 4 submitters: Benign (3); Likely benign (1). Last evaluated 2026-02-25.

Allele frequency attached by ClinVar (database versions not stated): 1000 Genomes Project 30x 0.00031; 1000 Genomes Project 0.00040; ExAC 0.00077; gnomAD exomes 0.00090 and 0.00136; gnomAD 0.00098 and 0.00099; TOPMed 0.00100; ESP Exome Variant Server 0.00115.
gnomAD v4.1: 1,747 of 1,336,750 alleles (0.13%); highest among the groups gnomAD compares: Non-Finnish European, 0.16%; no homozygotes.

Submissions (4):

Dasa
Classification: Benign. Last evaluated: 2026-02-25. Review status: criteria provided, single submitter. Criteria: DASA Assertion Criteria. Collection method: clinical testing. Allele origin: germline.
Comment: NM_015895.5(GMNN):c.357+7A>G is a splice-region variant predicted to affect normal RNA splicing. Based on the available data, this variant is classified as benign.

Labcorp Genetics (formerly Invitae), Labcorp
Classification: Benign. Last evaluated: 2026-01-11. Review status: criteria provided, single submitter. Criteria: Invitae Variant Classification Sherloc (09022015). Collection method: clinical testing. Allele origin: germline.

Blueprint Genetics
Classification: Likely benign. Last evaluated: 2024-10-18. Review status: criteria provided, single submitter. Criteria: ACMG Guidelines, 2015. Collection method: clinical testing. Allele origin: germline.

CeGaT Center for Human Genetics Tuebingen
Classification: Benign. Last evaluated: 2024-07-01. Review status: criteria provided, single submitter. Criteria: CeGaT Center For Human Genetics Tuebingen Variant Classification Criteria Version 2. Collection method: clinical testing. Allele origin: germline. Affected: yes. Observed: 1 variant allele.
Comment: GMNN: BS1, BS2

NM_015895.5(GMNN):c.357+7A>G

Gene: GMNN (geminin DNA replication inhibitor; plus strand). Cytogenetic location: 6p22.3.
Variant type: single nucleotide variant.
Coding change: c.357+7A>G on transcript NM_015895.5 (MANE Select); 7 bases into the intron after coding-DNA position 357, A replaced by G.
Molecular consequence: intron variant.
Genome position (GRCh38, 1-based): chr6:24,784,176, A>G. VCF-style: chr6-24784176-A-G. GRCh37 (hg19) VCF-style: chr6-24784404-A-G.
Other names: c.357+7A>G (NM_001251991.1, NM_001251989.2, NM_001251990.2).
Identifiers: ClinVar variation 730453 (VCV000730453.29), dbSNP rs2307305, ClinGen allele CA3658889.